The following is an entry in ClinVar:

NM_199420.4(POLQ):c.3330T>A (p.Asn1110Lys)

Gene: POLQ (DNA polymerase theta; minus strand). Cytogenetic location: 3q13.33.
Variant type: single nucleotide variant.
Coding change: c.3330T>A on transcript NM_199420.4 (MANE Select); coding-DNA position 3330, T replaced by A.
Protein change: p.Asn1110Lys; replaces asparagine 1110 with lysine.
Molecular consequence: missense variant.
Genome position (GRCh38, 1-based): chr3:121,489,601, A>T on the plus strand (T>A on the coding strand, the complement: POLQ is on the minus strand). VCF-style: chr3-121489601-A-T. GRCh37 (hg19) VCF-style: chr3-121208448-A-T.
Other names: short protein forms N1110K.
Identifiers: ClinVar variation 3229928 (VCV003229928.1), dbSNP rs1376879671, ClinGen allele CA354100619.

ClinVar aggregate classification (germline): Uncertain significance (1 of 4 stars; one submission).

Allele frequency attached by ClinVar (database versions not stated): TOPMed below 0.00001; gnomAD 0.00001.
gnomAD v4.1: 1 of 1,613,104 alleles (0.000062%); highest among the groups gnomAD compares: Non-Finnish European, 0.000085%; no homozygotes.

Submission:

Ambry Genetics
Classification: Uncertain significance. Last evaluated: 2023-09-20. Review status: criteria provided, single submitter. Criteria: Ambry Variant Classification Scheme 2023. Collection method: clinical testing. Allele origin: germline.
Comment: The p.N1110K variant (also known as c.3330T>A), located in coding exon 16 of the POLQ gene, results from a T to A substitution at nucleotide position 3330. The asparagine at codon 1110 is replaced by lysine, an amino acid with similar properties. This amino acid position is conserved. In addition, this alteration is predicted to be tolerated by in silico analysis. Since supporting evidence is limited at this time, the clinical significance of this alteration remains unclear.